The following is an entry in ClinVar:

ClinVar aggregate classification (germline): Uncertain significance. Review status: criteria provided, multiple submitters, no conflicts (2 of 4 stars). 2 submissions from 2 submitters: Uncertain significance (2). Last evaluated 2025-12-18.

Conditions:
Pheochromocytoma. Also called: MAX-Related Hereditary Paraganglioma-Pheochromocytoma Syndrome. Identifiers: Orphanet 29072, MedGen C0031511, MONDO:0008233, OMIM 171300, HP:0002666.
Gastrointestinal stromal tumor. Also called: Gastrointestinal stromal tumor, somatic; Gastrointestinal stroma tumor. Identifiers: Orphanet 44890, MedGen C0238198, MeSH D046152, MONDO:0011719, OMIM 606764, HP:0100723.
Pheochromocytoma/paraganglioma syndrome 4. Also called: CAROTID BODY TUMORS AND MULTIPLE EXTRAADRENAL PHEOCHROMOCYTOMAS; SDHB-Related Hereditary Paraganglioma-Pheochromocytoma Syndrome (Paragangliomas 4); Paragangliomas 4; SDHB-Related Hereditary Paraganglioma-Pheochromocytoma Syndrome; PARAGANGLIOMA, FAMILIAL MALIGNANT; PARAGANGLIOMAS, HEREDITARY EXTRAADRENAL. Identifiers: Orphanet 29072, MedGen C1861848, MONDO:0007273, OMIM 115310.
Hereditary cancer-predisposing syndrome. Also called: Tumor predisposition; Neoplastic Syndromes, Hereditary; Hereditary neoplastic syndrome; Hereditary Cancer Syndrome. Identifiers: Orphanet 140162, MedGen C0027672, MeSH D009386, MONDO:0015356.

Allele frequency attached by ClinVar (database versions not stated): gnomAD exomes below 0.00001.
gnomAD v4.1: 2 of 1,614,194 alleles (0.00012%); no homozygotes.

Submissions (2):

Labcorp Genetics (formerly Invitae), Labcorp
Classification: Uncertain significance for Gastrointestinal stromal tumor; Pheochromocytoma/paraganglioma syndrome 4; Pheochromocytoma. Last evaluated: 2025-12-18. Review status: criteria provided, single submitter. Criteria: Invitae Variant Classification Sherloc (09022015). Collection method: clinical testing. Allele origin: germline.
Comment: This sequence change replaces isoleucine, which is neutral and non-polar, with valine, which is neutral and non-polar, at codon 105 of the SDHB protein (p.Ile105Val). This variant is not present in population databases (gnomAD no frequency). This variant has not been reported in the literature in individuals affected with SDHB-related conditions. ClinVar contains an entry for this variant (Variation ID: 1052515). Invitae Evidence Modeling of protein sequence and biophysical properties (such as structural, functional, and spatial information, amino acid conservation, physicochemical variation, residue mobility, and thermodynamic stability) indicates that this missense variant is not expected to disrupt SDHB protein function with a negative predictive value of 80%. In summary, the available evidence is currently insufficient to determine the role of this variant in disease. Therefore, it has been classified as a Variant of Uncertain Significance.

Ambry Genetics
Classification: Uncertain significance for Hereditary cancer-predisposing syndrome. Last evaluated: 2022-10-21. Review status: criteria provided, single submitter. Criteria: Ambry Variant Classification Scheme 2023. Collection method: clinical testing. Allele origin: germline.
Comment: The p.I105V variant (also known as c.313A>G), located in coding exon 4 of the SDHB gene, results from an A to G substitution at nucleotide position 313. The isoleucine at codon 105 is replaced by valine, an amino acid with highly similar properties. This amino acid position is highly conserved in available vertebrate species. In addition, this alteration is predicted to be deleterious by in silico analysis. Since supporting evidence is limited at this time, the clinical significance of this alteration remains unclear.

NM_003000.3(SDHB):c.313A>G (p.Ile105Val)

Gene: SDHB (succinate dehydrogenase complex iron sulfur subunit B; minus strand). Cytogenetic location: 1p36.13.
Variant type: single nucleotide variant.
Coding change: c.313A>G on transcript NM_003000.3 (MANE Select); coding-DNA position 313, A replaced by G.
Protein change: p.Ile105Val; replaces isoleucine 105 with valine.
Molecular consequence: missense variant.
Genome position (GRCh38, 1-based): chr1:17,028,710, T>C on the plus strand (A>G on the coding strand, the complement: SDHB is on the minus strand). VCF-style: chr1-17028710-T-C. GRCh37 (hg19) VCF-style: chr1-17355205-T-C.
Other names: short protein forms I105V.
Identifiers: ClinVar variation 1052515 (VCV001052515.7), dbSNP rs1356656612, ClinGen allele CA338274995.